The following is an entry in ClinVar:

NM_001286.5(CLCN6):c.1654A>C (p.Thr552Pro)

Gene: CLCN6 (chloride voltage-gated channel 6; plus strand). Cytogenetic location: 1p36.22.
Variant type: single nucleotide variant.
Coding change: c.1654A>C on transcript NM_001286.5 (MANE Select); coding-DNA position 1654, A replaced by C.
Protein change: p.Thr552Pro; replaces threonine 552 with proline.
Molecular consequence: missense variant. On other transcripts: non-coding transcript variant (1).
Genome position (GRCh38, 1-based): chr1:11,834,363, A>C. VCF-style: chr1-11834363-A-C. GRCh37 (hg19) VCF-style: chr1-11894420-A-C.
Other names: c.1588A>C, p.Thr530Pro (NM_001256959.2); short protein forms T552P, T530P.
Identifiers: ClinVar variation 2866164 (VCV002866164.3), dbSNP rs2523156749, ClinGen allele CA338435945.

ClinVar aggregate classification (germline): Uncertain significance (1 of 4 stars; one submission).

Allele frequency attached by ClinVar (database versions not stated): gnomAD exomes below 0.00001.
gnomAD v4.1: 1 of 1,613,808 alleles (0.000062%); highest among the groups gnomAD compares: Middle Eastern, 0.016%; no homozygotes.

Submission:

Labcorp Genetics (formerly Invitae), Labcorp
Classification: Uncertain significance. Last evaluated: 2023-05-20. Review status: criteria provided, single submitter. Criteria: Invitae Variant Classification Sherloc (09022015). Collection method: clinical testing. Allele origin: germline.
Comment: In summary, the available evidence is currently insufficient to determine the role of this variant in disease. Therefore, it has been classified as a Variant of Uncertain Significance. An algorithm developed to predict the effect of missense changes on protein structure and function (PolyPhen-2) suggests that this variant is likely to be disruptive. This variant has not been reported in the literature in individuals affected with CLCN6-related conditions. This variant is not present in population databases (gnomAD no frequency). This sequence change replaces threonine, which is neutral and polar, with proline, which is neutral and non-polar, at codon 552 of the CLCN6 protein (p.Thr552Pro).